The following is an entry in ClinVar:

ClinVar aggregate classification (germline): Uncertain significance (1 of 4 stars; one submission).

Allele frequency attached by ClinVar (database versions not stated): ExAC 0.00002; TOPMed 0.00003; gnomAD 0.00006.
gnomAD v4.1: 32 of 1,612,122 alleles (0.002%); highest among the groups gnomAD compares: Admixed American, 0.025%; no homozygotes.

Submission:

Labcorp Genetics (formerly Invitae), Labcorp
Classification: Uncertain significance. Last evaluated: 2025-02-17. Review status: criteria provided, single submitter. Criteria: Invitae Variant Classification Sherloc (09022015). Collection method: clinical testing. Allele origin: germline.
Comment: This sequence change replaces proline, which is neutral and non-polar, with leucine, which is neutral and non-polar, at codon 424 of the HDAC4 protein (p.Pro424Leu). This variant is present in population databases (rs764264987, gnomAD 0.02%). This variant has not been reported in the literature in individuals affected with HDAC4-related conditions. ClinVar contains an entry for this variant (Variation ID: 2064878). Invitae Evidence Modeling of protein sequence and biophysical properties (such as structural, functional, and spatial information, amino acid conservation, physicochemical variation, residue mobility, and thermodynamic stability) indicates that this missense variant is not expected to disrupt HDAC4 protein function with a negative predictive value of 80%. In summary, the available evidence is currently insufficient to determine the role of this variant in disease. Therefore, it has been classified as a Variant of Uncertain Significance.

NM_001378414.1(HDAC4):c.1271C>T (p.Pro424Leu)

Gene: HDAC4 (histone deacetylase 4; minus strand). Cytogenetic location: 2q37.3.
Variant type: single nucleotide variant.
Coding change: c.1271C>T on transcript NM_001378414.1 (MANE Select); coding-DNA position 1271, C replaced by T.
Protein change: p.Pro424Leu; replaces proline 424 with leucine.
Molecular consequence: missense variant.
Genome position (GRCh38, 1-based): chr2:239,134,268, G>A on the plus strand (C>T on the coding strand, the complement: HDAC4 is on the minus strand). VCF-style: chr2-239134268-G-A. GRCh37 (hg19) VCF-style: chr2-240055964-G-A.
Other names: c.1271C>T, p.Pro424Leu (NM_001378415.1, NM_001378416.1, NM_001378417.1 and 1 more transcripts); short protein forms P424L.
Identifiers: ClinVar variation 2064878 (VCV002064878.4), dbSNP rs764264987, ClinGen allele CA2199864.
Genomic context (GRCh38, chr2:239,134,268, plus strand): 5'-TCAGAGCCTGGCTGCACCCAGGCCCATTTGTGCTCACCTGTGACGAGGGGTGCTTGTGCC[G>A]GCGGCTGCTCCAGTAAGACCATGTGCTGCAGAAGAGGGCTGTGCGCTGCCCCTCCGTCCC-3'
Protein context (NP_001365343.1, residues 414-434): LQHMVLLEQP[Pro424Leu]AQAPLVTDWY